The following is an entry in ClinVar:

NM_057175.5(NAA15):c.1324A>G (p.Arg442Gly)

Gene: NAA15 (N-alpha-acetyltransferase 15, NatA auxiliary subunit; plus strand). Cytogenetic location: 4q31.1.
Variant type: single nucleotide variant.
Coding change: c.1324A>G on transcript NM_057175.5 (MANE Select); coding-DNA position 1324, A replaced by G.
Protein change: p.Arg442Gly; replaces arginine 442 with glycine.
Molecular consequence: missense variant.
Genome position (GRCh38, 1-based): chr4:139,359,809, A>G. VCF-style: chr4-139359809-A-G. GRCh37 (hg19) VCF-style: chr4-140280963-A-G.
Other names: c.1324A>G, p.Arg442Gly (NM_001410842.1); short protein forms R442G.
Identifiers: ClinVar variation 5017355 (VCV005017355.1).
Genomic context (GRCh38, chr4:139,359,809, plus strand): 5'-GGAAATATTAAAGAAGCTGCAAGGTGGATGGATGAGGCCCAGGCCTTGGACACAGCAGAC[A>G]GATTTATCAACTCCAAATGTGCAAAATACATGCTAAAAGCCAACCTGATTAAAGAAGCTG-3'
Protein context (NP_476516.1, residues 432-452): DEAQALDTAD[Arg442Gly]FINSKCAKYM

ClinVar aggregate classification (germline): Uncertain significance (1 of 4 stars; one submission).

Submission:

GeneDx
Classification: Uncertain significance. Last evaluated: 2026-03-24. Review status: criteria provided, single submitter. Criteria: GeneDx Variant Classification Process June 2021. Collection method: clinical testing. Allele origin: germline.
Comment: Not observed at significant frequency in large population cohorts (gnomAD); In silico analysis supports that this missense variant has a deleterious effect on protein structure/function; Has not been previously published as pathogenic or benign to our knowledge